The following is an entry in ClinVar:

ClinVar aggregate classification (germline): Uncertain significance. Review status: criteria provided, multiple submitters, no conflicts (2 of 4 stars). 4 submissions from 4 submitters: Uncertain significance (3). 1 of the submissions does not count toward it. Last evaluated 2024-09-27.

Conditions:
Inborn genetic diseases. Identifiers: MedGen C0950123, MeSH D030342.
LZTFL1-related disorder. Also called: LZTFL1-related condition.
Bardet-Biedl syndrome 17 (BBS17). Identifiers: Orphanet 110, MedGen C3714980, MONDO:0014445, OMIM 615994.

Allele frequency attached by ClinVar (database versions not stated): gnomAD exomes 0.00002; ExAC 0.00004; gnomAD 0.00005; TOPMed 0.00005; ESP Exome Variant Server 0.00008.
gnomAD v4.1: 12 of 1,613,798 alleles (0.00074%); highest among the groups gnomAD compares: African/African-American, 0.012%; no homozygotes.

Submissions (4):

Ambry Genetics
Classification: Uncertain significance for Inborn genetic diseases. Last evaluated: 2024-09-27. Review status: criteria provided, single submitter. Criteria: Ambry Variant Classification Scheme 2023. Collection method: clinical testing. Allele origin: germline.

Fulgent Genetics
Classification: Uncertain significance for Bardet-Biedl syndrome 17. Last evaluated: 2024-05-28. Review status: criteria provided, single submitter. Criteria: ACMG Guidelines, 2015. Collection method: clinical testing. Allele origin: germline.

Labcorp Genetics (formerly Invitae), Labcorp
Classification: Uncertain significance. Last evaluated: 2022-03-02. Review status: criteria provided, single submitter. Criteria: Invitae Variant Classification Sherloc (09022015). Collection method: clinical testing. Allele origin: germline.
Comment: This sequence change replaces serine, which is neutral and polar, with cysteine, which is neutral and slightly polar, at codon 209 of the LZTFL1 protein (p.Ser209Cys). This variant is present in population databases (rs148560000, gnomAD 0.03%). This variant has not been reported in the literature in individuals affected with LZTFL1-related conditions. ClinVar contains an entry for this variant (Variation ID: 1018200). Algorithms developed to predict the effect of missense changes on protein structure and function are either unavailable or do not agree on the potential impact of this missense change (SIFT: "Deleterious"; PolyPhen-2: "Benign"; Align-GVGD: "Class C0"). In summary, the available evidence is currently insufficient to determine the role of this variant in disease. Therefore, it has been classified as a Variant of Uncertain Significance.

PreventionGenetics, part of Exact Sciences
Classification: Uncertain significance for LZTFL1-related condition. Last evaluated: 2024-03-20. Review status: no assertion criteria provided. Collection method: clinical testing. Allele origin: germline. Not counted in ClinVar's aggregate classification.
Comment: The LZTFL1 c.625A>T variant is predicted to result in the amino acid substitution p.Ser209Cys. To our knowledge, this variant has not been reported in the literature. This variant is reported in 0.031% of alleles in individuals of African descent in gnomAD. At this time, the clinical significance of this variant is uncertain due to the absence of conclusive functional and genetic evidence.

NM_020347.4(LZTFL1):c.625A>T (p.Ser209Cys)

Gene: LZTFL1 (leucine zipper transcription factor like 1; minus strand). Cytogenetic location: 3p21.31.
Variant type: single nucleotide variant.
Coding change: c.625A>T on transcript NM_020347.4 (MANE Select); coding-DNA position 625, A replaced by T.
Protein change: p.Ser209Cys; replaces serine 209 with cysteine.
Molecular consequence: missense variant. On other transcripts: non-coding transcript variant (1).
Genome position (GRCh38, 1-based): chr3:45,828,591, T>A on the plus strand (A>T on the coding strand, the complement: LZTFL1 is on the minus strand). VCF-style: chr3-45828591-T-A. GRCh37 (hg19) VCF-style: chr3-45870083-T-A.
Other names: c.574A>T, p.Ser192Cys (NM_001276378.2); c.613A>T, p.Ser205Cys (NM_001276379.2); c.625A>T (NM_020347.3, NM_020347.2); short protein forms S192C, S205C, S209C.
Identifiers: ClinVar variation 1018200 (VCV001018200.5), dbSNP rs148560000, ClinGen allele CA2351886.